The following is an entry in ClinVar:

NM_005228.5(EGFR):c.1699A>G (p.Met567Val)

Gene: EGFR (epidermal growth factor receptor; plus strand). Cytogenetic location: 7p11.2.
Variant type: single nucleotide variant.
Coding change: c.1699A>G on transcript NM_005228.5 (MANE Select); coding-DNA position 1699, A replaced by G.
Protein change: p.Met567Val; replaces methionine 567 with valine.
Molecular consequence: missense variant.
Genome position (GRCh38, 1-based): chr7:55,163,800, A>G. VCF-style: chr7-55163800-A-G. GRCh37 (hg19) VCF-style: chr7-55231493-A-G.
Other names: c.1564A>G, p.Met522Val (NM_001346897.2, NM_001346899.2); c.1699A>G, p.Met567Val (NM_001346898.2, NM_201282.2, NM_201284.2); c.1540A>G, p.Met514Val (NM_001346900.2); c.898A>G, p.Met300Val (NM_001346941.2); c.1699A>G (NM_005228.3); short protein forms M300V, M514V, M522V, M567V.
Identifiers: ClinVar variation 1053286 (VCV001053286.9), dbSNP rs771278492, ClinGen allele CA4265661.

ClinVar aggregate classification (germline): Uncertain significance. Review status: criteria provided, multiple submitters, no conflicts (2 of 4 stars). 2 submissions from 2 submitters: Uncertain significance (2). Last evaluated 2025-02-08.

Conditions:
Hereditary cancer-predisposing syndrome. Also called: Tumor predisposition; Hereditary neoplastic syndrome; Hereditary Cancer Syndrome; Neoplastic Syndromes, Hereditary. Identifiers: Orphanet 140162, MedGen C0027672, MeSH D009386, MONDO:0015356.
EGFR-related lung cancer (EGFR). Identifiers: MedGen CN130014.

Allele frequency attached by ClinVar (database versions not stated): ExAC 0.00001; gnomAD exomes 0.00001.
gnomAD v4.1: 5 of 1,614,224 alleles (0.00031%); highest among the groups gnomAD compares: South Asian, 0.0011%; no homozygotes.

Submissions (2):

Ambry Genetics
Classification: Uncertain significance for Hereditary cancer-predisposing syndrome. Last evaluated: 2025-02-08. Review status: criteria provided, single submitter. Criteria: Ambry Variant Classification Scheme 2023. Collection method: clinical testing. Allele origin: germline.
Comment: The p.M567V variant (also known as c.1699A>G), located in coding exon 14 of the EGFR gene, results from an A to G substitution at nucleotide position 1699. The methionine at codon 567 is replaced by valine, an amino acid with highly similar properties. This amino acid position is conserved. In addition, this alteration is predicted to be tolerated by in silico analysis. Based on the available evidence, the clinical significance of this variant remains unclear.

Labcorp Genetics (formerly Invitae), Labcorp
Classification: Uncertain significance for EGFR-related lung cancer. Last evaluated: 2024-11-26. Review status: criteria provided, single submitter. Criteria: Invitae Variant Classification Sherloc (09022015). Collection method: clinical testing. Allele origin: germline.
Comment: This sequence change replaces methionine, which is neutral and non-polar, with valine, which is neutral and non-polar, at codon 567 of the EGFR protein (p.Met567Val). This variant is present in population databases (rs771278492, gnomAD 0.002%). This variant has not been reported in the literature in individuals affected with EGFR-related conditions. ClinVar contains an entry for this variant (Variation ID: 1053286). Invitae Evidence Modeling of protein sequence and biophysical properties (such as structural, functional, and spatial information, amino acid conservation, physicochemical variation, residue mobility, and thermodynamic stability) indicates that this missense variant is not expected to disrupt EGFR protein function with a negative predictive value of 80%. In summary, the available evidence is currently insufficient to determine the role of this variant in disease. Therefore, it has been classified as a Variant of Uncertain Significance.